The following is an entry in ClinVar:

NM_012233.3(RAB3GAP1):c.2394C>T (p.Leu798=)

Gene: RAB3GAP1 (RAB3 GTPase activating protein catalytic subunit 1; plus strand). Cytogenetic location: 2q21.3.
Variant type: single nucleotide variant.
Coding change: c.2394C>T on transcript NM_012233.3 (MANE Select); coding-DNA position 2394, C replaced by T.
Protein change: p.Leu798=; no amino-acid change (leucine 798 retained).
Molecular consequence: synonymous variant.
Genome position (GRCh38, 1-based): chr2:135,162,755, C>T. VCF-style: chr2-135162755-C-T. GRCh37 (hg19) VCF-style: chr2-135920325-C-T.
Other names: p.Leu798=; c.2394C>T, p.Leu798= (NM_001172435.2).
Identifiers: ClinVar variation 709568 (VCV000709568.13), dbSNP rs550794953, ClinGen allele CA1885062.

ClinVar aggregate classification (germline): Benign/Likely benign. Review status: criteria provided, multiple submitters, no conflicts (2 of 4 stars). 4 submissions from 4 submitters: Benign (1); Likely benign (3). Last evaluated 2025-04-10.

Allele frequency attached by ClinVar (database versions not stated): gnomAD 0.00004; gnomAD exomes 0.00011; TOPMed 0.00011; ExAC 0.00022; 1000 Genomes Project 30x 0.00109; 1000 Genomes Project 0.00120.

Submissions (4):

Mayo Clinic Laboratories, Mayo Clinic
Classification: Likely benign. Last evaluated: 2025-04-10. Review status: criteria provided, single submitter. Criteria: ACMG Guidelines, 2015. Collection method: clinical testing. Allele origin: germline. Observed: 1 variant allele.
Comment: BS1, BP4, BP7

Blueprint Genetics
Classification: Likely benign. Last evaluated: 2024-02-21. Review status: criteria provided, single submitter. Criteria: ACMG Guidelines, 2015. Collection method: clinical testing. Allele origin: germline.

Labcorp Genetics (formerly Invitae), Labcorp
Classification: Benign. Last evaluated: 2023-02-04. Review status: criteria provided, single submitter. Criteria: Invitae Variant Classification Sherloc (09022015). Collection method: clinical testing. Allele origin: germline.

Genetic Services Laboratory, University of Chicago
Classification: Likely benign. Last evaluated: 2018-03-12. Review status: criteria provided, single submitter. Criteria: ACMG Guidelines, 2015. Collection method: clinical testing. Allele origin: germline. Affected: no.